The following is an entry in ClinVar:

ClinVar aggregate classification (germline): Uncertain significance (1 of 4 stars; one submission).

Conditions:
Loeys-Dietz syndrome 2 (LDS2). Also called: Marfan syndrome, type 2 (formerly); AORTIC ANEURYSM, FAMILIAL THORACIC 3; MARFAN SYNDROME, TYPE II; TGFBR2-Related Loeys-Dietz Syndrome; Marfan Syndrome type 2; Marfan like connective tissue disorder. Identifiers: Orphanet 284973, Orphanet 558, MedGen C2674574, MONDO:0012427, OMIM 610168.

gnomAD v4.1: 2 of 1,613,648 alleles (0.00012%); highest among the groups gnomAD compares: South Asian, 0.0022%; no homozygotes.

Submission:

Labcorp Genetics (formerly Invitae), Labcorp
Classification: Uncertain significance for Loeys-Dietz syndrome 2. Last evaluated: 2025-12-19. Review status: criteria provided, single submitter. Criteria: Invitae Variant Classification Sherloc (09022015). Collection method: clinical testing. Allele origin: germline.
Comment: This sequence change replaces serine, which is neutral and polar, with alanine, which is neutral and non-polar, at codon 9 of the TMPO protein (p.Ser9Ala). This variant is present in population databases (rs765836311, gnomAD 0.003%). This variant has not been reported in the literature in individuals affected with TMPO-related conditions. An algorithm developed to predict the effect of missense changes on protein structure and function (PolyPhen-2) suggests that this variant is likely to be disruptive. In summary, the available evidence is currently insufficient to determine the role of this variant in disease. Therefore, it has been classified as a Variant of Uncertain Significance.

NM_001032283.3(TMPO):c.25T>G (p.Ser9Ala)

Genes: TMPO (thymopoietin; plus strand), TMPO-AS1 (TMPO antisense RNA 1; minus strand). Cytogenetic location: 12q23.1.
Variant type: single nucleotide variant.
Coding change: c.25T>G on transcript NM_001032283.3 (MANE Select); coding-DNA position 25, T replaced by G.
Protein change: p.Ser9Ala; replaces serine 9 with alanine.
Molecular consequence: missense variant. On other transcripts: non-coding transcript variant (1).
Genome position (GRCh38, 1-based): chr12:98,515,892, T>G. VCF-style: chr12-98515892-T-G. GRCh37 (hg19) VCF-style: chr12-98909670-T-G.
Other names: c.25T>G, p.Ser9Ala (NM_001032284.3, NM_001307975.2, NM_003276.2); short protein forms S9A.
Identifiers: ClinVar variation 4799450 (VCV004799450.1).